The following is an entry in ClinVar:

NM_000135.4(FANCA):c.3328del (p.His1110fs)

Gene: FANCA (FA complementation group A; minus strand). Cytogenetic location: 16q24.3.
Variant type: Deletion.
Coding change: c.3328del on transcript NM_000135.4 (MANE Select); coding-DNA position 3328, one base deleted (C; older notation c.3328delC).
Protein change: p.His1110fs; shifts the reading frame from histidine 1110.
Molecular consequence: frameshift variant.
Genome position (GRCh38, 1-based): chr16:89,748,679, G deleted on the plus strand (C on the coding strand, the reverse complement: FANCA is on the minus strand); the first of 2 consecutive G bases (chr16:89,748,679-89,748,680); deleting either gives the same sequence. VCF-style (leftmost placement, unchanged base first): chr16-89748678-TG-T. GRCh37 (hg19) VCF-style: chr16-89815086-TG-T.
Other names: c.3328del, p.His1110fs (NM_001286167.3); short protein forms H1110fs.
Identifiers: ClinVar variation 2745519 (VCV002745519.3), dbSNP rs2544126036, ClinGen allele CA2697556073.
Genomic context (GRCh38, chr16:89,748,678, plus strand): 5'-CACTGACAGATCGGACGGACACGTGCACACGGGGCACCTACCATCTCAGAGTTGACCAAG[TG>T]GAAGAACTGCTCGCATCTGGCAGTGATGGGCTGTTCTGCCTGGAAGCTGCTGCCGCAGAG-3'

ClinVar aggregate classification (germline): Pathogenic (1 of 4 stars; one submission).

Conditions:
Fanconi anemia (FA). Also called: Fanconi's anemia. Identifiers: Orphanet 84, MedGen C0015625, MeSH D005199, MONDO:0019391.

Submission:

Labcorp Genetics (formerly Invitae), Labcorp
Classification: Pathogenic for Fanconi anemia. Last evaluated: 2023-05-28. Review status: criteria provided, single submitter. Criteria: Invitae Variant Classification Sherloc (09022015). Collection method: clinical testing. Allele origin: germline.
Comment: For these reasons, this variant has been classified as Pathogenic. This variant has not been reported in the literature in individuals affected with FANCA-related conditions. This variant is not present in population databases (gnomAD no frequency). This sequence change creates a premature translational stop signal (p.His1110Thrfs*7) in the FANCA gene. It is expected to result in an absent or disrupted protein product. Loss-of-function variants in FANCA are known to be pathogenic (PMID: 19367192).

Literature cited by the submitters: PubMed 19367192.